The following is an entry in ClinVar:

ClinVar aggregate classification (germline): Likely benign. Review status: criteria provided, multiple submitters, no conflicts (2 of 4 stars). 2 submissions from 2 submitters: Likely benign (2). Last evaluated 2026-03-01.

gnomAD v4.1: 37 of 1,614,058 alleles (0.0023%); highest among the groups gnomAD compares: Non-Finnish European, 0.0029%; no homozygotes.

Submissions (2):

CeGaT Center for Human Genetics Tuebingen
Classification: Likely benign. Last evaluated: 2026-03-01. Review status: criteria provided, single submitter. Criteria: CeGaT Center For Human Genetics Tuebingen Variant Classification Criteria Version 2. Collection method: clinical testing. Allele origin: germline. Affected: yes. Observed: 1 variant allele.
Comment: DYM: BP4, BP7

Labcorp Genetics (formerly Invitae), Labcorp
Classification: Likely benign. Last evaluated: 2025-07-02. Review status: criteria provided, single submitter. Criteria: Invitae Variant Classification Sherloc (09022015). Collection method: clinical testing. Allele origin: germline.

NM_001353214.3(DYM):c.2121C>T (p.Val707=)

Genes: DYM (dymeclin; minus strand), DYM-AS1 (DYM antisense RNA 1; plus strand). Cytogenetic location: 18q21.1.
Variant type: single nucleotide variant.
Coding change: c.2121C>T on transcript NM_001353214.3 (MANE Select); coding-DNA position 2121, C replaced by T.
Protein change: p.Val707=; no amino-acid change (valine 707 retained).
Molecular consequence: synonymous variant. On other transcripts: 3 prime UTR variant (2).
Genome position (GRCh38, 1-based): chr18:49,044,109, G>A on the plus strand (C>T on the coding strand, the complement: DYM is on the minus strand). VCF-style: chr18-49044109-G-A. GRCh37 (hg19) VCF-style: chr18-46570479-G-A.
Other names: c.1953C>T, p.Val651= (NM_001353211.3, NM_001353210.3); c.2118C>T, p.Val706= (NM_001353212.3, NM_001353213.3); c.1938C>T, p.Val646= (NM_001353215.3); c.1773C>T, p.Val591= (NM_001353216.3, NM_001374437.1); c.2121C>T, p.Val707= (NM_001374428.1); c.2115C>T, p.Val705= (NM_001374429.1); c.*80C>T (NM_001374430.1, NM_001374433.1); c.2007C>T, p.Val669= (NM_001374431.1); and 12 more.
Identifiers: ClinVar variation 4705523 (VCV004705523.5).